The following is an entry in ClinVar:

NM_004006.3(DMD):c.10232del (p.Thr3411fs)

Gene: DMD (dystrophin; minus strand). Cytogenetic location: Xp21.2.
Variant type: Deletion.
Coding change: c.10232del on transcript NM_004006.3 (MANE Select); coding-DNA position 10232, one base deleted (C; older notation c.10232delC).
Protein change: p.Thr3411fs; shifts the reading frame from threonine 3411.
Molecular consequence: frameshift variant. On other transcripts: intron variant (5).
Genome position (GRCh38, 1-based): chrX:31,177,962, G deleted on the plus strand (C on the coding strand, the reverse complement: DMD is on the minus strand). VCF-style (leftmost placement, unchanged base first): chrX-31177961-AG-A. GRCh37 (hg19) VCF-style: chrX-31196078-AG-A.
Other names: c.10208del, p.Thr3403fs (NM_000109.4); c.10220del, p.Thr3407fs (NM_004009.3); c.9863del, p.Thr3288fs (NM_004010.3); c.6209del, p.Thr2070fs (NM_004011.4); c.6200del, p.Thr2067fs (NM_004012.4); c.2852del, p.Thr951fs (NM_004013.3, NM_004021.3); c.2045del, p.Thr682fs (NM_004014.3); c.1028del, p.Thr343fs (NM_004015.3, NM_004016.3); and 2 more; short protein forms T2067fs, T2070fs, T3288fs, T3403fs, T3407fs, T3411fs, T343fs, T682fs.
Identifiers: ClinVar variation 1806442 (VCV001806442.1), dbSNP rs2519910949, ClinGen allele CA2580100543.
Genomic context (GRCh38, chrX:31,177,961, plus strand): 5'-AGCAGCACCCTTCAGCAAAAAAAGTACTCACGCAGAATCTACTGGCCAGAAGTTGATCAG[AG>A]TAACGGGACTGCAAAACAAAAAATGAGGTGGTGAAGGAGACACACGCAAACTCAGCCGCA-3'

ClinVar aggregate classification (germline): Likely pathogenic (1 of 4 stars; one submission).

Conditions:
Becker muscular dystrophy (BMD). Also called: MUSCULAR DYSTROPHY, PSEUDOHYPERTROPHIC PROGRESSIVE, BECKER TYPE; Becker Muscular Dystrophy (BMD). Identifiers: Orphanet 98895, MedGen C0917713, MONDO:0010311, OMIM 300376.

Submission:

Laboratory of Medical Genetics, National & Kapodistrian University of Athens
Classification: Likely pathogenic for Becker muscular dystrophy. Last evaluated: 2022-12-16. Review status: criteria provided, single submitter. Criteria: ACMG Guidelines, 2015. Collection method: clinical testing. Allele origin: germline. Affected: yes.
Comment: PVS1, PM2